The following is an entry in ClinVar:

NM_178857.6(RP1L1):c.1330G>A (p.Gly444Arg)

Gene: RP1L1 (RP1 like 1). Cytogenetic location: 8p23.1.
Variant type: single nucleotide variant.
Coding change: c.1330G>A on transcript NM_178857.6 (MANE Select); coding-DNA position 1330, G replaced by A.
Protein change: p.Gly444Arg; replaces glycine 444 with arginine.
Molecular consequence: missense variant.
Genome position (GRCh38, 1-based): chr8:10,612,768, C>T on the plus strand (G>A on the coding strand, the complement: RP1L1 is on the minus strand). VCF-style: chr8-10612768-C-T. GRCh37 (hg19) VCF-style: chr8-10470278-C-T.
Other names: short protein forms G444R.
Identifiers: ClinVar variation 2383197 (VCV002383197.8), dbSNP rs372470434, ClinGen allele CA4625220.

ClinVar aggregate classification (germline): Uncertain significance. Review status: criteria provided, multiple submitters, no conflicts (2 of 4 stars). 4 submissions from 4 submitters: Uncertain significance (4). Last evaluated 2026-07-08.

Conditions:
Inborn genetic diseases. Identifiers: MedGen C0950123, MeSH D030342.
RP1L1-related disorder. Also called: RP1L1-related condition.

Allele frequency attached by ClinVar (database versions not stated): ExAC 0.00006; gnomAD exomes 0.00007; TOPMed 0.00007; ESP Exome Variant Server 0.00008; gnomAD 0.00010; 1000 Genomes Project 30x 0.00016; 1000 Genomes Project 0.00020.
gnomAD v4.1: 125 of 1,609,372 alleles (0.0078%); highest among the groups gnomAD compares: Non-Finnish European, 0.0086%; no homozygotes.

Submissions (4):

PreventionGenetics, part of Exact Sciences
Classification: Uncertain significance for RP1L1-related condition. Last evaluated: 2026-07-08. Review status: criteria provided, single submitter. Criteria: ACMG Guidelines, 2015. Collection method: clinical testing. Allele origin: germline.
Comment: The RP1L1 c.1330G>A variant is predicted to result in the amino acid substitution p.Gly444Arg. To our knowledge, this variant has not been reported in the literature. This variant is present in 0.0085% of alleles in individuals of Latino descent in gnomAD. At this time, the clinical significance of this variant is uncertain due to the absence of conclusive functional and genetic evidence.

CeGaT Center for Human Genetics Tuebingen
Classification: Uncertain significance. Last evaluated: 2026-03-01. Review status: criteria provided, single submitter. Criteria: CeGaT Center For Human Genetics Tuebingen Variant Classification Criteria Version 2. Collection method: clinical testing. Allele origin: germline. Affected: yes. Observed: 1 variant allele.
Comment: RP1L1: PM2, BP4

Blueprint Genetics
Classification: Uncertain significance. Last evaluated: 2024-10-31. Review status: criteria provided, single submitter. Criteria: ACMG Guidelines, 2015. Collection method: clinical testing. Allele origin: germline.

Ambry Genetics
Classification: Uncertain significance for Inborn genetic diseases. Last evaluated: 2021-08-17. Review status: criteria provided, single submitter. Criteria: Ambry Variant Classification Scheme 2023. Collection method: clinical testing. Allele origin: germline.